The following is an entry in ClinVar:

ClinVar aggregate classification (germline): Benign/Likely benign. Review status: criteria provided, multiple submitters, no conflicts (2 of 4 stars). 3 submissions from 3 submitters: Benign (2); Likely benign (1). Last evaluated 2026-09-01.

Allele frequency attached by ClinVar (database versions not stated): 1000 Genomes Project 0.00160; 1000 Genomes Project 30x 0.00234; TOPMed 0.00337; gnomAD exomes 0.00463 and 0.00585; gnomAD 0.00480 and 0.00495; ExAC 0.00509; ESP Exome Variant Server 0.00515.
gnomAD v4.1: 9,138 of 1,612,056 alleles (0.57%); highest among the groups gnomAD compares: Non-Finnish European, 0.66%; 37 homozygotes.

Submissions (3):

CeGaT Center for Human Genetics Tuebingen
Classification: Likely benign. Last evaluated: 2026-09-01. Review status: criteria provided, single submitter. Criteria: CeGaT Center For Human Genetics Tuebingen Variant Classification Criteria Version 2. Collection method: clinical testing. Allele origin: germline. Affected: yes. Observed: 27 variant alleles.
Comment: TECR: BP4, BP7, BS2

Labcorp Genetics (formerly Invitae), Labcorp
Classification: Benign. Last evaluated: 2019-12-31. Review status: criteria provided, single submitter. Criteria: Invitae Variant Classification Sherloc (09022015). Collection method: clinical testing. Allele origin: germline.

Genetic Services Laboratory, University of Chicago
Classification: Benign. Last evaluated: 2017-09-11. Review status: criteria provided, single submitter. Criteria: ACMG Guidelines, 2015. Collection method: clinical testing. Allele origin: germline. Affected: no.

NM_138501.6(TECR):c.813C>T (p.Ser271=)

Gene: TECR (trans-2,3-enoyl-CoA reductase; plus strand). Cytogenetic location: 19p13.12.
Variant type: single nucleotide variant.
Coding change: c.813C>T on transcript NM_138501.6 (MANE Select); coding-DNA position 813, C replaced by T.
Protein change: p.Ser271=; no amino-acid change (serine 271 retained).
Molecular consequence: synonymous variant.
Genome position (GRCh38, 1-based): chr19:14,565,757, C>T. VCF-style: chr19-14565757-C-T. GRCh37 (hg19) VCF-style: chr19-14676569-C-T.
Other names: c.858C>T, p.Ser286= (NM_001321170.1).
Identifiers: ClinVar variation 212396 (VCV000212396.43), dbSNP rs141619383, ClinGen allele CA206843.
Genomic context (GRCh38, chr19:14,565,757, plus strand): 5'-CCCCTCCGGGCCGGCAGCCCCTCCCTGACGCCCGTTCTTTCCTGCAGTGGCCCTGTTCTC[C>T]CTGGTGGGCTTCACCCAGATGACCATCTGGGCCAAGGGCAAGCACCGCAGCTACCTGAAG-3'
Protein context (NP_612510.1, residues 261-281): MTQCLPVALF[Ser271=]LVGFTQMTIW